The following is an entry in ClinVar:

ClinVar aggregate classification (germline): Likely pathogenic (1 of 4 stars; one submission).

Conditions:
Werner syndrome (WRN). Identifiers: Orphanet 902, MedGen C0043119, MONDO:0010196, OMIM 277700.

Submission:

Labcorp Genetics (formerly Invitae), Labcorp
Classification: Likely pathogenic for Werner syndrome. Last evaluated: 2025-12-14. Review status: criteria provided, single submitter. Criteria: Invitae Variant Classification Sherloc (09022015). Collection method: clinical testing. Allele origin: germline.
Comment: This variant results in the deletion of part of exon 10 (c.1349_1350+9del) of the WRN gene. It is expected to disrupt RNA splicing. Variants that disrupt the donor or acceptor splice site typically lead to a loss of protein function (PMID: 16199547), and loss-of-function variants in WRN are known to be pathogenic (PMID: 16673358). This variant is not present in population databases (gnomAD no frequency). This variant has not been reported in the literature in individuals affected with WRN-related conditions. In summary, the currently available evidence indicates that the variant is pathogenic, but additional data are needed to prove that conclusively. Therefore, this variant has been classified as Likely Pathogenic.

Literature cited by the submitters: PubMed 16199547; PubMed 16673358.

NM_000553.6(WRN):c.1349_1350+9del

Gene: WRN (WRN RecQ like helicase; plus strand). Cytogenetic location: 8p12.
Variant type: Deletion.
Coding change: c.1349_1350+9del on transcript NM_000553.6 (MANE Select); coding-DNA position 1349 through 9 bases into the intron after coding-DNA position 1350, 11 bases deleted (AGGTATGTTTA).
Molecular consequence: splice donor variant.
Genome position (GRCh38, 1-based): chr8:31,083,778-31,083,788, AGGTATGTTTA deleted; deleting any 11 consecutive bases within chr8:31,083,775-31,083,788 gives the same sequence; the c. name uses the placement nearest the transcript's 3' end. VCF-style (leftmost placement, unchanged base first): chr8-31083774-CTTAAGGTATGT-C. GRCh37 (hg19) VCF-style: chr8-30941290-CTTAAGGTATGT-C.
Identifiers: ClinVar variation 4809628 (VCV004809628.1).
Genomic context (GRCh38, chr8:31,083,774, plus strand): 5'-GATAATGAAAACGATACGTCCTATGTAATTGAGAGTGATGAAGATTTAGAAATGGAGATG[CTTAAGGTATGT>C]TTACAATTATAAAAATATTACTTCAAGTTCTTTCCAAAGGACATTTAATTAAGTAAAATA-3'